The following is an entry in ClinVar:

NM_032638.5(GATA2):c.1273T>C (p.Ser425Pro)

Gene: GATA2 (GATA binding protein 2; minus strand). Cytogenetic location: 3q21.3.
Variant type: single nucleotide variant.
Coding change: c.1273T>C on transcript NM_032638.5 (MANE Select); coding-DNA position 1273, T replaced by C.
Protein change: p.Ser425Pro; replaces serine 425 with proline.
Molecular consequence: missense variant.
Genome position (GRCh38, 1-based): chr3:128,481,189, A>G on the plus strand (T>C on the coding strand, the complement: GATA2 is on the minus strand). VCF-style: chr3-128481189-A-G. GRCh37 (hg19) VCF-style: chr3-128200032-A-G.
Other names: c.1273T>C, p.Ser425Pro (NM_001145661.2); c.1231T>C, p.Ser411Pro (NM_001145662.1); short protein forms S425P, S411P.
Identifiers: ClinVar variation 472440 (VCV000472440.9), dbSNP rs753159607, ClinGen allele CA354412896.

ClinVar aggregate classification (germline): Uncertain significance. Review status: criteria provided, multiple submitters, no conflicts (2 of 4 stars). 2 submissions from 2 submitters: Uncertain significance (2). Last evaluated 2024-02-27.

Conditions:
Monocytopenia with susceptibility to infections. Also called: MONOCYTOPENIA AND MYCOBACTERIAL INFECTION SYNDROME; MONOCYTOPENIA WITH SUSCEPTIBILITY TO MYCOBACTERIAL, FUNGAL, AND PAPILLOMAVIRUS INFECTIONS AND MYELODYSPLASIA; COMBINED IMMUNODEFICIENCY WITH SUSCEPTIBILITY TO MYCOBACTERIAL, VIRAL, AND FUNGAL INFECTIONS; Dendritic cell, monocyte, B lymphocyte, and natural killer lymphocyte deficiency; IMMUNODEFICIENCY 21; GATA2 DEFICIENCY. Identifiers: Orphanet 228423, MedGen C3280030, MONDO:0013607, OMIM 614172.
Deafness-lymphedema-leukemia syndrome. Also called: Lymphedema, primary, with myelodysplasia; Emberger syndrome. Identifiers: Orphanet 3226, MedGen C3279664, MONDO:0013540, OMIM 614038.

Submissions (2):

GeneDx
Classification: Uncertain significance. Last evaluated: 2024-02-27. Review status: criteria provided, single submitter. Criteria: GeneDx Variant Classification Process June 2021. Collection method: clinical testing. Allele origin: germline. Affected: yes.
Comment: Not observed at significant frequency in large population cohorts (gnomAD); In silico analysis supports that this missense variant does not alter protein structure/function; Has not been previously published as pathogenic or benign to our knowledge

Labcorp Genetics (formerly Invitae), Labcorp
Classification: Uncertain significance for Monocytopenia with susceptibility to infections; Deafness-lymphedema-leukemia syndrome. Last evaluated: 2023-04-26. Review status: criteria provided, single submitter. Criteria: Invitae Variant Classification Sherloc (09022015). Collection method: clinical testing. Allele origin: germline.
Comment: In summary, the available evidence is currently insufficient to determine the role of this variant in disease. Therefore, it has been classified as a Variant of Uncertain Significance. Advanced modeling of protein sequence and biophysical properties (such as structural, functional, and spatial information, amino acid conservation, physicochemical variation, residue mobility, and thermodynamic stability) has been performed at Invitae for this missense variant, however the output from this modeling did not meet the statistical confidence thresholds required to predict the impact of this variant on GATA2 protein function. ClinVar contains an entry for this variant (Variation ID: 472440). This variant has not been reported in the literature in individuals affected with GATA2-related conditions. This variant is not present in population databases (gnomAD no frequency). This sequence change replaces serine, which is neutral and polar, with proline, which is neutral and non-polar, at codon 425 of the GATA2 protein (p.Ser425Pro).